The following is an entry in ClinVar:

ClinVar aggregate classification (germline): Uncertain significance (1 of 4 stars; one submission).

Conditions:
ELMOD3-related disorder. Also called: ELMOD3-related condition.

Submission:

PreventionGenetics, part of Exact Sciences
Classification: Uncertain significance for ELMOD3-related condition. Last evaluated: 2025-08-06. Review status: criteria provided, single submitter. Criteria: ACMG Guidelines, 2015. Collection method: clinical testing. Allele origin: germline.
Comment: The ELMOD3 c.818_819delAG variant is predicted to result in a frameshift and premature protein termination (p.Glu273Valfs*2). To our knowledge, this variant has not been reported in the literature. This variant is reported in 0.024% of alleles in individuals of African descent in gnomAD. At this time, the clinical significance of this variant is uncertain due to the absence of conclusive functional and genetic evidence.

NM_001135021.1(ELMOD3):c.818_819delAG

Gene: ELMOD3 (ELMO domain containing 3; plus strand). Cytogenetic location: 2p11.2.
Variant type: Microsatellite.
Coding change: c.818_819delAG on transcript NM_001135021.1; coding-DNA positions 818 to 819, 2 bases deleted (AG).
Genome position (GRCh38, 1-based): chr2:85,390,140-85,390,141, AG deleted; deleting any 2 consecutive bases within chr2:85,390,136-85,390,141 gives the same sequence; the c. name uses the placement nearest the transcript's 3' end. VCF-style (leftmost placement, unchanged base first): chr2-85390135-CAG-C. GRCh37 (hg19) VCF-style: chr2-85617258-CAG-C.
Identifiers: ClinVar variation 4981216 (VCV004981216.1).